The following is an entry in ClinVar:

ClinVar aggregate classification (germline): Uncertain significance. Review status: criteria provided, multiple submitters, no conflicts (2 of 4 stars). 2 submissions from 2 submitters: Uncertain significance (2). Last evaluated 2023-03-24.

Conditions:
Intellectual developmental disorder, X-linked, syndromic, Claes-Jensen type. Also called: Syndromic X-linked intellectual disability Claes-Jensen type; INTELLECTUAL DEVELOPMENTAL DISORDER, X-LINKED, SYNDROMIC 16; MENTAL RETARDATION, X-LINKED, SYNDROMIC 16. Identifiers: Orphanet 85279, MedGen C1845243, MONDO:0010355, OMIM 300534.

Allele frequency attached by ClinVar (database versions not stated): gnomAD exomes below 0.00001.
gnomAD v4.1: 1 of 1,211,027 alleles (0.000083%); no homozygotes.

Submissions (2):

GeneDx
Classification: Uncertain significance. Last evaluated: 2023-03-24. Review status: criteria provided, single submitter. Criteria: GeneDx Variant Classification Process June 2021. Collection method: clinical testing. Allele origin: germline. Affected: yes.
Comment: In silico analysis supports that this missense variant does not alter protein structure/function; In silico analysis suggests this variant may impact gene splicing. In the absence of RNA/functional studies, the actual effect of this sequence change is unknown.; Has not been previously published as pathogenic or benign to our knowledge

Neuberg Centre For Genomic Medicine, NCGM
Classification: Uncertain significance for Intellectual developmental disorder, X-linked, syndromic, Claes-Jensen type. Review status: criteria provided, single submitter. Criteria: ACMG Guidelines, 2015. Collection method: clinical testing. Allele origin: germline. Inheritance: X-linked recessive inheritance. Affected: yes.
Comment: The observed missense c.548A>G (p.Asn183Ser) variant in KDM5C gene has not been reported previously as a pathogenic variant nor as a benign variant, to our knowledge. The p.Asn183Ser variant is present with an allele frequency of 0.0006% on gnomAD exomes database. This variant has not been reported to the ClinVar database. Computational evidence (SIFT - tolerated; Polyphen - benign; MutationTaster - disease causing) predicts conflicting evidence on protein structure and function for this variant. The amino acid change p.Asn183Ser in KDM5C is predicted as conserved by GERP++ and PhyloP across 100 vertebrates. The amino acid Asn at position 183 is changed to a Ser changing protein sequence and it might alter its composition and physico-chemical properties. For these reasons, this variant has been classified as a Variant of Uncertain Significance (VUS).

NM_004187.5(KDM5C):c.548A>G (p.Asn183Ser)

Gene: KDM5C (lysine demethylase 5C; minus strand). Cytogenetic location: Xp11.22.
Variant type: single nucleotide variant.
Coding change: c.548A>G on transcript NM_004187.5 (MANE Select); coding-DNA position 548, A replaced by G.
Protein change: p.Asn183Ser; replaces asparagine 183 with serine.
Molecular consequence: missense variant. On other transcripts: non-coding transcript variant (3).
Genome position (GRCh38, 1-based): chrX:53,217,252, T>C on the plus strand (A>G on the coding strand, the complement: KDM5C is on the minus strand). VCF-style: chrX-53217252-T-C. GRCh37 (hg19) VCF-style: chrX-53246434-T-C.
Other names: c.347A>G, p.Asn116Ser (NM_001146702.2); c.545A>G, p.Asn182Ser (NM_001282622.3, NM_001353979.2, NM_001353982.2); c.548A>G, p.Asn183Ser (NM_001353978.3, NM_001353981.2, NM_001353984.2); short protein forms N116S, N182S, N183S.
Identifiers: ClinVar variation 2580449 (VCV002580449.2), dbSNP rs1556852417, ClinGen allele CA413133911.